The following is an entry in ClinVar:

ClinVar aggregate classification (germline): Uncertain significance (1 of 4 stars; one submission).

Conditions:
Early-infantile DEE. Also called: Ohtahara syndrome; Early infantile epileptic encephalopathy with suppression bursts; Early infantile epileptic encephalopathy. Identifiers: Orphanet 1934, MedGen C0393706, MONDO:0800491.

Allele frequency attached by ClinVar (database versions not stated): ExAC 0.00002; gnomAD exomes 0.00003.
gnomAD v4.1: 44 of 1,598,082 alleles (0.0028%); highest among the groups gnomAD compares: Non-Finnish European, 0.0036%; no homozygotes.

Submission:

Labcorp Genetics (formerly Invitae), Labcorp
Classification: Uncertain significance for Early-infantile DEE. Last evaluated: 2022-03-28. Review status: criteria provided, single submitter. Criteria: Invitae Variant Classification Sherloc (09022015). Collection method: clinical testing. Allele origin: germline.
Comment: This variant has not been reported in the literature in individuals affected with CACNA2D2-related conditions. In summary, the available evidence is currently insufficient to determine the role of this variant in disease. Therefore, it has been classified as a Variant of Uncertain Significance. Algorithms developed to predict the effect of missense changes on protein structure and function (SIFT, PolyPhen-2, Align-GVGD) all suggest that this variant is likely to be tolerated. This variant is present in population databases (rs760580243, gnomAD 0.001%). This sequence change replaces phenylalanine, which is neutral and non-polar, with leucine, which is neutral and non-polar, at codon 647 of the CACNA2D2 protein (p.Phe647Leu).

NM_006030.4(CACNA2D2):c.1941C>G (p.Phe647Leu)

Gene: CACNA2D2 (calcium voltage-gated channel auxiliary subunit alpha2delta 2; minus strand). Cytogenetic location: 3p21.31.
Variant type: single nucleotide variant.
Coding change: c.1941C>G on transcript NM_006030.4 (MANE Select); coding-DNA position 1941, C replaced by G.
Protein change: p.Phe647Leu; replaces phenylalanine 647 with leucine.
Molecular consequence: missense variant.
Genome position (GRCh38, 1-based): chr3:50,374,780, G>C on the plus strand (C>G on the coding strand, the complement: CACNA2D2 is on the minus strand). VCF-style: chr3-50374780-G-C. GRCh37 (hg19) VCF-style: chr3-50412211-G-C.
Other names: c.1941C>G, p.Phe647Leu (NM_001005505.3, NM_001174051.3, NM_001410768.1); c.1734C>G, p.Phe578Leu (NM_001291101.1); short protein forms F647L, F578L.
Identifiers: ClinVar variation 2036115 (VCV002036115.4), dbSNP rs760580243, ClinGen allele CA2418657.